The following is an entry in ClinVar:

ClinVar aggregate classification (germline): Likely pathogenic. Review status: criteria provided, multiple submitters, no conflicts (2 of 4 stars). 2 submissions from 2 submitters: Likely pathogenic (2). Last evaluated 2025-07-03.

Conditions:
Chédiak-Higashi syndrome (CHS). Also called: Chediak-Higashi Syndrome. Identifiers: Orphanet 167, MedGen C0007965, MONDO:0008963, OMIM 214500.

Allele frequency attached by ClinVar (database versions not stated): gnomAD exomes below 0.00001.
gnomAD v4.1: 2 of 1,609,960 alleles (0.00012%); highest among the groups gnomAD compares: Non-Finnish European, 0.00017%; no homozygotes.

Submissions (2):

Variantyx, Inc.
Classification: Likely pathogenic for Chédiak-Higashi syndrome. Last evaluated: 2025-07-03. Review status: criteria provided, single submitter. Criteria: Variantyx Assertion Criteria 2022. Collection method: clinical testing. Allele origin: germline. Inheritance: Autosomal recessive inheritance.
Comment: This is a canonical splicing variant in the LYST gene (OMIM: 606897). Pathogenic variants in this gene have been associated with autosomal recessive Chediak-Higashi syndrome. This splicing variant is expected to result in loss of function, which is a known disease mechanism for LYST in this disorder (PMID: 25051077) (PVS1). This variant has a 0.0006% maximum allele frequency in non-founder control populations (PM2). Based on the current evidence, this variant is classified as likely pathogenic for autosomal recessive Chediak-Higashi syndrome.

Baylor Genetics
Classification: Likely pathogenic for Chédiak-Higashi syndrome. Last evaluated: 2023-02-11. Review status: criteria provided, single submitter. Criteria: ACMG Guidelines, 2015. Collection method: clinical testing. Allele origin: unknown.

Literature cited by the submitters: PubMed 25051077 (cited by Variantyx, Inc.).

NM_000081.4(LYST):c.8358+2T>G

Gene: LYST (lysosomal trafficking regulator; minus strand). Cytogenetic location: 1q42.3.
Variant type: single nucleotide variant.
Coding change: c.8358+2T>G on transcript NM_000081.4 (MANE Select); the canonical splice donor site of the intron after coding-DNA position 8358, T replaced by G.
Molecular consequence: splice donor variant.
Genome position (GRCh38, 1-based): chr1:235,741,420, A>C on the plus strand (T>G on the coding strand, the complement: LYST is on the minus strand). VCF-style: chr1-235741420-A-C. GRCh37 (hg19) VCF-style: chr1-235904720-A-C.
Other names: c.8358+2T>G (NM_001301365.1).
Identifiers: ClinVar variation 2676363 (VCV002676363.1), dbSNP rs1157079200, ClinGen allele CA344923080.
Genomic context (GRCh38, chr1:235,741,420, plus strand): 5'-TTTATTCAGACTTTGTATTTCACCAAACGTTTTACTTCTCTTATCAAAGCTGAGATACTT[A>C]CTTGTAGGGATGGGCTGAGACAGTCTCGTAGTATTTCCTGATGATTTGGTTCATGAACTA-3'